The following is an entry in ClinVar:

ClinVar aggregate classification (germline): Uncertain significance. Review status: criteria provided, multiple submitters, no conflicts (2 of 4 stars). 2 submissions from 2 submitters: Uncertain significance (2). Last evaluated 2025-10-26.

Conditions:
Cardiovascular phenotype. Identifiers: MedGen CN230736.

gnomAD v4.1: 2 of 1,614,134 alleles (0.00012%); highest among the groups gnomAD compares: Non-Finnish European, 0.000085%; no homozygotes.

Submissions (2):

Ambry Genetics
Classification: Uncertain significance for Cardiovascular phenotype. Last evaluated: 2025-10-26. Review status: criteria provided, single submitter. Criteria: Ambry Variant Classification Scheme 2023. Collection method: clinical testing. Allele origin: germline.
Comment: The p.D838N variant (also known as c.2512G>A), located in coding exon 6 of the ALPK3 gene, results from a G to A substitution at nucleotide position 2512. The aspartic acid at codon 838 is replaced by asparagine, an amino acid with highly similar properties. This amino acid position is conserved. In addition, this alteration is predicted to be tolerated by in silico analysis. Based on the available evidence, the clinical significance of this variant remains unclear.

Labcorp Genetics (formerly Invitae), Labcorp
Classification: Uncertain significance. Last evaluated: 2025-06-30. Review status: criteria provided, single submitter. Criteria: Invitae Variant Classification Sherloc (09022015). Collection method: clinical testing. Allele origin: germline.
Comment: This sequence change replaces aspartic acid, which is acidic and polar, with asparagine, which is neutral and polar, at codon 838 of the ALPK3 protein (p.Asp838Asn). This variant is not present in population databases (gnomAD no frequency). This variant has not been reported in the literature in individuals affected with ALPK3-related conditions. Invitae Evidence Modeling of protein sequence and biophysical properties (such as structural, functional, and spatial information, amino acid conservation, physicochemical variation, residue mobility, and thermodynamic stability) indicates that this missense variant is not expected to disrupt ALPK3 protein function with a negative predictive value of 80%. In summary, the available evidence is currently insufficient to determine the role of this variant in disease. Therefore, it has been classified as a Variant of Uncertain Significance.

NM_020778.5(ALPK3):c.1906G>A (p.Asp636Asn)

Gene: ALPK3 (alpha kinase 3; plus strand). Cytogenetic location: 15q25.3.
Variant type: single nucleotide variant.
Coding change: c.1906G>A on transcript NM_020778.5 (MANE Select); coding-DNA position 1906, G replaced by A.
Protein change: p.Asp636Asn; replaces aspartic acid 636 with asparagine.
Molecular consequence: missense variant.
Genome position (GRCh38, 1-based): chr15:84,856,644, G>A. VCF-style: chr15-84856644-G-A. GRCh37 (hg19) VCF-style: chr15-85399875-G-A.
Other names: short protein forms D636N.
Identifiers: ClinVar variation 4613501 (VCV004613501.2).